The following is an entry in ClinVar:

NM_001394998.1(TANC2):c.1441C>T (p.His481Tyr)

Gene: TANC2 (tetratricopeptide repeat, ankyrin repeat and coiled-coil containing 2; plus strand). Cytogenetic location: 17q23.3.
Variant type: single nucleotide variant.
Coding change: c.1441C>T on transcript NM_001394998.1 (MANE Select); coding-DNA position 1441, C replaced by T.
Protein change: p.His481Tyr; replaces histidine 481 with tyrosine.
Molecular consequence: missense variant.
Genome position (GRCh38, 1-based): chr17:63,314,669, C>T. VCF-style: chr17-63314669-C-T. GRCh37 (hg19) VCF-style: chr17-61392030-C-T.
Other names: c.1219C>T, p.His407Tyr (NM_001411076.1, NM_025185.4); short protein forms H407Y, H481Y.
Identifiers: ClinVar variation 5041048 (VCV005041048.1).
Genomic context (GRCh38, chr17:63,314,669, plus strand): 5'-AGCTGCCATGGTACAAGGATGAGACAGATCGCCTCAGACAGCCCACATGCCTCCCCCAAA[C>T]GTACGTATTCCTTTTTAAAGAACTCCCTGTTTCATTGGCGCTGAAGTTTTTCTGACATAT-3'
Protein context (NP_001381927.1, residues 471-491): ASDSPHASPK[His481Tyr]VDANRELPLT

ClinVar aggregate classification (germline): Likely benign (1 of 4 stars; one submission).

Submission:

CeGaT Center for Human Genetics Tuebingen
Classification: Likely benign. Last evaluated: 2026-09-01. Review status: criteria provided, single submitter. Criteria: CeGaT Center For Human Genetics Tuebingen Variant Classification Criteria Version 2. Collection method: clinical testing. Allele origin: germline. Affected: yes. Observed: 1 variant allele.
Comment: TANC2: BS1